The following is an entry in ClinVar:

ClinVar aggregate classification (germline): Uncertain significance (1 of 4 stars; one submission).

Conditions:
Osteogenesis imperfecta type 8 (OI8). Identifiers: MedGen C1970458, MONDO:0012581, OMIM 610915.

Allele frequency attached by ClinVar (database versions not stated): gnomAD 0.00001; ExAC 0.00004.
gnomAD v4.1: 15 of 1,612,474 alleles (0.00093%); highest among the groups gnomAD compares: South Asian, 0.0099%; 1 homozygote.

Submission:

Labcorp Genetics (formerly Invitae), Labcorp
Classification: Uncertain significance for Osteogenesis imperfecta type 8. Last evaluated: 2021-09-02. Review status: criteria provided, single submitter. Criteria: Invitae Variant Classification Sherloc (09022015). Collection method: clinical testing. Allele origin: germline.
Comment: This sequence change replaces arginine with histidine at codon 569 of the P3H1 protein (p.Arg569His). The arginine residue is moderately conserved and there is a small physicochemical difference between arginine and histidine. This variant is present in population databases (rs758131023, ExAC 0.01%). This variant has not been reported in the literature in individuals affected with P3H1-related conditions. Algorithms developed to predict the effect of missense changes on protein structure and function are either unavailable or do not agree on the potential impact of this missense change (SIFT: "Tolerated"; PolyPhen-2: "Probably Damaging"; Align-GVGD: "Class C0"). In summary, the available evidence is currently insufficient to determine the role of this variant in disease. Therefore, it has been classified as a Variant of Uncertain Significance.

NM_022356.4(P3H1):c.1706G>A (p.Arg569His)

Gene: P3H1 (prolyl 3-hydroxylase 1; minus strand). Cytogenetic location: 1p34.2.
Variant type: single nucleotide variant.
Coding change: c.1706G>A on transcript NM_022356.4 (MANE Select); coding-DNA position 1706, G replaced by A.
Protein change: p.Arg569His; replaces arginine 569 with histidine.
Molecular consequence: missense variant.
Genome position (GRCh38, 1-based): chr1:42,750,200, C>T on the plus strand (G>A on the coding strand, the complement: P3H1 is on the minus strand). VCF-style: chr1-42750200-C-T. GRCh37 (hg19) VCF-style: chr1-43215871-C-T.
Other names: c.1706G>A, p.Arg569His (NM_001146289.2, NM_001243246.2); short protein forms R569H.
Identifiers: ClinVar variation 1404175 (VCV001404175.5), dbSNP rs758131023, ClinGen allele CA801735.